The following is an entry in ClinVar:

ClinVar aggregate classification (germline): Benign. Review status: criteria provided, single submitter (1 of 4 stars). 2 submissions from 2 submitters: Benign (1). 1 of the submissions does not count toward it. Last evaluated 2023-09-30.

Conditions:
PLCB4-related disorder. Also called: PLCB4-related condition.

Allele frequency attached by ClinVar (database versions not stated): gnomAD exomes 0.00006; gnomAD 0.00010; TOPMed 0.00018; ExAC 0.00024.
gnomAD v4.1: 103 of 1,601,464 alleles (0.0064%); highest among the groups gnomAD compares: Admixed American, 0.15%; no homozygotes.

Submissions (2):

Labcorp Genetics (formerly Invitae), Labcorp
Classification: Benign. Last evaluated: 2023-09-30. Review status: criteria provided, single submitter. Criteria: Invitae Variant Classification Sherloc (09022015). Collection method: clinical testing. Allele origin: germline.

PreventionGenetics, part of Exact Sciences
Classification: Likely benign for PLCB4-related condition. Last evaluated: 2023-11-22. Review status: no assertion criteria provided. Collection method: clinical testing. Allele origin: germline. Not counted in ClinVar's aggregate classification.
Comment: This variant is classified as likely benign based on ACMG/AMP sequence variant interpretation guidelines (Richards et al. 2015 PMID: 25741868, with internal and published modifications).

NM_001377142.1(PLCB4):c.1503C>T (p.Ile501=)

Gene: PLCB4 (phospholipase C beta 4; plus strand). Cytogenetic location: 20p12.2.
Variant type: single nucleotide variant.
Coding change: c.1503C>T on transcript NM_001377142.1 (MANE Select); coding-DNA position 1503, C replaced by T.
Protein change: p.Ile501=; no amino-acid change (isoleucine 501 retained).
Molecular consequence: synonymous variant.
Genome position (GRCh38, 1-based): chr20:9,395,611, C>T. VCF-style: chr20-9395611-C-T. GRCh37 (hg19) VCF-style: chr20-9376258-C-T.
Other names: c.1503C>T (NM_000933.3); c.1503C>T, p.Ile501= (NM_000933.4, NM_001172646.2, NM_001377134.2 and 4 more transcripts).
Identifiers: ClinVar variation 2796905 (VCV002796905.5), dbSNP rs753456784, ClinGen allele CA9761112.
Genomic context (GRCh38, chr20:9,395,611, plus strand): 5'-GGAAGCTGGAGAATCTGCCTCCCCAGCAAACATCTTAGAGGACGATAATGAAGAGGAGAT[C>T]GAAAGTGGTGAGCTGTTTGCTTTTATTTTAAGTTACATGCTTTGAAAATACTTTTTAAAT-3'
Protein context (NP_001364071.1, residues 491-511): NILEDDNEEE[Ile501=]ESADQEEEAH